The following is an entry in ClinVar:

NM_001105206.3(LAMA4):c.2655C>T (p.Leu885=)

Gene: LAMA4 (laminin subunit alpha 4; minus strand). Cytogenetic location: 6q21.
Variant type: single nucleotide variant.
Coding change: c.2655C>T on transcript NM_001105206.3 (MANE Select); coding-DNA position 2655, C replaced by T.
Protein change: p.Leu885=; no amino-acid change (leucine 885 retained).
Molecular consequence: synonymous variant.
Genome position (GRCh38, 1-based): chr6:112,142,131, G>A on the plus strand (C>T on the coding strand, the complement: LAMA4 is on the minus strand). VCF-style: chr6-112142131-G-A. GRCh37 (hg19) VCF-style: chr6-112463333-G-A.
Other names: p.L878L:CTC>CTT; c.2634C>T, p.Leu878= (NM_001105207.3, NM_002290.5).
Identifiers: ClinVar variation 163788 (VCV000163788.38), dbSNP rs35772073, ClinGen allele CA295478.
Genomic context (GRCh38, chr6:112,142,131, plus strand): 5'-AGCTTTCCTTGTAAATATTATTCCCTCCTTTCAAACTCATGTGCTTACGTTTTTGCTTCC[G>A]AGGTACAGGATAAACTGATCTGCAGTCTCGGTCAGTTCCGGCCGCTTCACAGGGGGTTTC-3'
Protein context (NP_001098676.2, residues 875-895): TETADQFILY[Leu885=]GSKNAKKEYM

ClinVar aggregate classification (germline): Benign/Likely benign. Review status: criteria provided, multiple submitters, no conflicts (2 of 4 stars). 12 submissions from 12 submitters: Benign (4); Likely benign (4). 4 of the submissions do not count toward it. Last evaluated 2026-02-16.

Conditions:
Cardiovascular phenotype. Identifiers: MedGen CN230736.
Dilated cardiomyopathy 1JJ (CMD1JJ). Identifiers: Orphanet 154, MedGen C3808935, MONDO:0014095, OMIM 615235.
Cardiomyopathy (CMYO). Also called: Cardiomyopathies. Identifiers: Orphanet 167848, MedGen C0878544, MONDO:0004994, HP:0001638. Inheritance: Various modes of inheritance.

Allele frequency attached by ClinVar (database versions not stated): 1000 Genomes Project 0.00020; gnomAD 0.00051 and 0.00048; TOPMed 0.00053; ExAC 0.00049; gnomAD exomes 0.00108 and 0.00050; 1000 Genomes Project 30x 0.00016; ESP Exome Variant Server 0.00069.
gnomAD v4.1: 1,628 of 1,613,948 alleles (0.1%); highest among the groups gnomAD compares: Non-Finnish European, 0.13%; 1 homozygote.

Submissions (12):

Women's Health and Genetics/Laboratory Corporation of America, LabCorp
Classification: Benign. Last evaluated: 2026-02-16. Review status: criteria provided, single submitter. Criteria: LabCorp Variant Classification Summary - May 2015. Collection method: clinical testing. Allele origin: germline.

Labcorp Genetics (formerly Invitae), Labcorp
Classification: Benign for Dilated cardiomyopathy 1JJ. Last evaluated: 2026-01-14. Review status: criteria provided, single submitter. Criteria: Invitae Variant Classification Sherloc (09022015). Collection method: clinical testing. Allele origin: germline.

Blueprint Genetics
Classification: Likely benign. Last evaluated: 2024-11-05. Review status: criteria provided, single submitter. Criteria: ACMG Guidelines, 2015. Collection method: clinical testing. Allele origin: germline.

CHEO Genetics Diagnostic Laboratory, Children's Hospital of Eastern Ontario
Classification: Benign for Cardiomyopathy. Last evaluated: 2018-02-07. Review status: criteria provided, single submitter. Criteria: ACMG Guidelines, 2015. Collection method: clinical testing. Allele origin: germline.

Clinical Genetics DNA and cytogenetics Diagnostics Lab, Erasmus MC, Erasmus Medical Center
Classification: Likely benign for Dilated cardiomyopathy 1JJ. Last evaluated: 2017-06-28. Review status: criteria provided, single submitter. Criteria: ACGS Guidelines, 2013. Collection method: clinical testing. Allele origin: germline. Affected: yes. Study: VKGL Data-share Consensus.

Ambry Genetics
Classification: Likely benign for Cardiovascular phenotype. Last evaluated: 2015-11-04. Review status: criteria provided, single submitter. Criteria: Ambry Variant Classification Scheme 2023. Collection method: clinical testing. Allele origin: germline.

Laboratory for Molecular Medicine, Mass General Brigham Personalized Medicine
Classification: Likely benign. Last evaluated: 2015-08-21. Review status: criteria provided, single submitter. Criteria: LMM Criteria. Collection method: clinical testing. Allele origin: germline. Observed: 4 variant alleles.
Comment: p.Leu878Leu in exon 20 of LAMA4: This variant is not expected to have clinical s ignificance because it does not alter an amino acid residue and is not located w ithin the splice consensus sequence. It has been identified in 55/66732 of Europ ean chromosomes by the Exome Aggregation Consortium (ExAC; dbSNP rs35772073).

GeneDx
Classification: Benign. Last evaluated: 2015-02-06. Review status: criteria provided, single submitter. Criteria: GeneDx Variant Classification (06012015). Collection method: clinical testing. Allele origin: germline. Affected: yes.
Comment: This variant is considered likely benign or benign based on one or more of the following criteria: it is a conservative change, it occurs at a poorly conserved position in the protein, it is predicted to be benign by multiple in silico algorithms, and/or has population frequency not consistent with disease.

Clinical Genetics, Academic Medical Center
Classification: Benign. Review status: no assertion criteria provided. Collection method: clinical testing. Allele origin: germline. Affected: yes. Study: VKGL Data-share Consensus. Not counted in ClinVar's aggregate classification.

Diagnostic Laboratory, Department of Genetics, University Medical Center Groningen
Classification: Likely benign for Dilated cardiomyopathy 1JJ. Review status: no assertion criteria provided. Collection method: clinical testing. Allele origin: germline. Affected: yes. Study: VKGL Data-share Consensus. Not counted in ClinVar's aggregate classification.

Genome Diagnostics Laboratory, University Medical Center Utrecht
Classification: Likely benign. Review status: no assertion criteria provided. Collection method: clinical testing. Allele origin: germline. Affected: yes. Study: VKGL Data-share Consensus. Not counted in ClinVar's aggregate classification.

Joint Genome Diagnostic Labs from Nijmegen and Maastricht, Radboudumc and MUMC+
Classification: Likely benign. Review status: no assertion criteria provided. Collection method: clinical testing. Allele origin: germline. Affected: yes. Study: VKGL Data-share Consensus. Not counted in ClinVar's aggregate classification.